The following is an entry in ClinVar:

NM_001099922.3(ALG13):c.2932+4A>G

Gene: ALG13 (ALG13 UDP-N-acetylglucosaminyltransferase subunit; plus strand). Cytogenetic location: Xq23.
Variant type: single nucleotide variant.
Coding change: c.2932+4A>G on transcript NM_001099922.3 (MANE Select); 4 bases into the intron after coding-DNA position 2932, A replaced by G.
Molecular consequence: intron variant.
Genome position (GRCh38, 1-based): chrX:111,744,908, A>G. VCF-style: chrX-111744908-A-G. GRCh37 (hg19) VCF-style: chrX-110988136-A-G.
Other names: c.2384-7882A>G (NM_001257237.2, NM_001257234.2, NM_001257230.2); c.2210-7882A>G (NM_001324293.1); c.2698+4A>G (NM_001257231.2); c.2696-7882A>G (NM_001324292.2).
Identifiers: ClinVar variation 4085632 (VCV004085632.8).

ClinVar aggregate classification (germline): Uncertain significance (1 of 4 stars; one submission).

Submission:

CeGaT Center for Human Genetics Tuebingen
Classification: Uncertain significance. Last evaluated: 2025-08-01. Review status: criteria provided, single submitter. Criteria: CeGaT Center For Human Genetics Tuebingen Variant Classification Criteria Version 2. Collection method: clinical testing. Allele origin: germline. Affected: yes. Observed: 1 variant allele.
Comment: ALG13: PM2, BP4